The following is an entry in ClinVar:

NM_005751.5(AKAP9):c.8314A>G (p.Ile2772Val)

Gene: AKAP9 (A-kinase anchoring protein 9; plus strand). Cytogenetic location: 7q21.2.
Variant type: single nucleotide variant.
Coding change: c.8314A>G on transcript NM_005751.5 (MANE Select); coding-DNA position 8314, A replaced by G.
Protein change: p.Ile2772Val; replaces isoleucine 2772 with valine.
Molecular consequence: missense variant.
Genome position (GRCh38, 1-based): chr7:92,083,323, A>G. VCF-style: chr7-92083323-A-G. GRCh37 (hg19) VCF-style: chr7-91712637-A-G.
Other names: c.2959A>G, p.Ile987Val (NM_001379277.1); c.8290A>G, p.Ile2764Val (NM_147185.3); short protein forms I987V, I2764V, I2772V.
Identifiers: ClinVar variation 1400985 (VCV001400985.9), dbSNP rs759694779, ClinGen allele CA4337473.

ClinVar aggregate classification (germline): Conflicting classifications of pathogenicity. Review status: criteria provided, conflicting classifications (1 of 4 stars). 3 submissions from 3 submitters: Uncertain significance (2); Likely benign (1). Last evaluated 2025-10-15.

Conditions:
Cardiovascular phenotype. Identifiers: MedGen CN230736.
Long QT syndrome (LQTS). Identifiers: MedGen C0023976, MeSH D008133, MONDO:0002442. Disease mechanism: loss of function. Inheritance: Various modes of inheritance.
Long QT syndrome 11 (LQT11). Identifiers: Orphanet 101016, Orphanet 768, MedGen C2678483, MONDO:0012738, OMIM 611820.

Allele frequency attached by ClinVar (database versions not stated): gnomAD exomes 0.00001 and 0.00004; ExAC 0.00003.
gnomAD v4.1: 19 of 1,614,142 alleles (0.0012%); highest among the groups gnomAD compares: South Asian, 0.011%; no homozygotes.

Submissions (3):

Labcorp Genetics (formerly Invitae), Labcorp
Classification: Uncertain significance for Long QT syndrome. Last evaluated: 2025-10-15. Review status: criteria provided, single submitter. Criteria: Invitae Variant Classification Sherloc (09022015). Collection method: clinical testing. Allele origin: germline.
Comment: This sequence change replaces isoleucine, which is neutral and non-polar, with valine, which is neutral and non-polar, at codon 2772 of the AKAP9 protein (p.Ile2772Val). This variant is present in population databases (rs759694779, gnomAD 0.02%). This variant has not been reported in the literature in individuals affected with AKAP9-related conditions. ClinVar contains an entry for this variant (Variation ID: 1400985). An algorithm developed to predict the effect of missense changes on protein structure and function outputs the following: PolyPhen-2: "Benign". The valine amino acid residue is found in multiple mammalian species, which suggests that this missense change does not adversely affect protein function. In summary, the available evidence is currently insufficient to determine the role of this variant in disease. Therefore, it has been classified as a Variant of Uncertain Significance.

Ambry Genetics
Classification: Likely benign for Cardiovascular phenotype. Last evaluated: 2022-04-03. Review status: criteria provided, single submitter. Criteria: Ambry Variant Classification Scheme 2023. Collection method: clinical testing. Allele origin: germline.

Fulgent Genetics
Classification: Uncertain significance for Long QT syndrome 11. Last evaluated: 2021-10-06. Review status: criteria provided, single submitter. Criteria: ACMG Guidelines, 2015. Collection method: clinical testing. Allele origin: unknown.